The following is an entry in ClinVar:

ClinVar aggregate classification (germline): Uncertain significance (1 of 4 stars; one submission).

Conditions:
Immunodeficiency 14 (IMD14A). Also called: p110-DELTA-ACTIVATING MUTATION CAUSING SENESCENT T CELLS, LYMPHADENOPATHY, AND IMMUNODEFICIENCY; ACTIVATED PI3K-DELTA SYNDROME 1; Activated PI3K Delta Syndrome Type 1 (APDS1); IMMUNODEFICIENCY 14A WITH LYMPHOPROLIFERATION, AUTOSOMAL DOMINANT. Identifiers: Orphanet 397596, Orphanet 693661, MedGen C5907821, MONDO:0014222, OMIM 615513.

gnomAD v4.1: 3 of 1,535,584 alleles (0.0002%); highest among the groups gnomAD compares: Admixed American, 0.002%; no homozygotes.

Submission:

Labcorp Genetics (formerly Invitae), Labcorp
Classification: Uncertain significance for Activated PI3K-delta syndrome. Last evaluated: 2026-01-17. Review status: criteria provided, single submitter. Criteria: Invitae Variant Classification Sherloc (09022015). Collection method: clinical testing. Allele origin: germline.
Comment: This sequence change replaces cysteine, which is neutral and slightly polar, with tyrosine, which is neutral and polar, at codon 500 of the PIK3CD protein (p.Cys500Tyr). This variant is present in population databases (rs148463269, gnomAD 0.004%). This variant has not been reported in the literature in individuals affected with PIK3CD-related conditions. Invitae Evidence Modeling of protein sequence and biophysical properties (such as structural, functional, and spatial information, amino acid conservation, physicochemical variation, residue mobility, and thermodynamic stability) indicates that this missense variant is not expected to disrupt PIK3CD protein function with a negative predictive value of 80%. In summary, the available evidence is currently insufficient to determine the role of this variant in disease. Therefore, it has been classified as a Variant of Uncertain Significance.

NM_005026.5(PIK3CD):c.1499G>A (p.Cys500Tyr)

Gene: PIK3CD (phosphatidylinositol-4,5-bisphosphate 3-kinase catalytic subunit delta; plus strand). Cytogenetic location: 1p36.22.
Variant type: single nucleotide variant.
Coding change: c.1499G>A on transcript NM_005026.5 (MANE Select); coding-DNA position 1499, G replaced by A.
Protein change: p.Cys500Tyr; replaces cysteine 500 with tyrosine.
Molecular consequence: missense variant.
Genome position (GRCh38, 1-based): chr1:9,720,639, G>A. VCF-style: chr1-9720639-G-A. GRCh37 (hg19) VCF-style: chr1-9780697-G-A.
Other names: c.1499G>A, p.Cys500Tyr (NM_001350234.2, NM_001437546.1, NM_001437547.1 and 2 more transcripts); c.1412G>A, p.Cys471Tyr (NM_001350235.1); short protein forms C500Y, C471Y.
Identifiers: ClinVar variation 4747822 (VCV004747822.1).